The following is an entry in ClinVar:

NM_001134831.2(AHI1):c.388A>T (p.Ile130Leu)

Gene: AHI1 (Abelson helper integration site 1; minus strand). Cytogenetic location: 6q23.3.
Variant type: single nucleotide variant.
Coding change: c.388A>T on transcript NM_001134831.2 (MANE Select); coding-DNA position 388, A replaced by T.
Protein change: p.Ile130Leu; replaces isoleucine 130 with leucine.
Molecular consequence: missense variant.
Genome position (GRCh38, 1-based): chr6:135,466,175, T>A on the plus strand (A>T on the coding strand, the complement: AHI1 is on the minus strand). VCF-style: chr6-135466175-T-A. GRCh37 (hg19) VCF-style: chr6-135787313-T-A.
Other names: c.388A>T, p.Ile130Leu (NM_001134830.2, NM_001134832.2, NM_001350503.2 and 2 more transcripts); short protein forms I130L.
Identifiers: ClinVar variation 1350439 (VCV001350439.3), dbSNP rs376751417, ClinGen allele CA148149204.

ClinVar aggregate classification (germline): Uncertain significance (1 of 4 stars; one submission).

Conditions:
Joubert syndrome. Also called: CEREBELLOPARENCHYMAL DISORDER IV; JOUBERT-BOLTSHAUSER SYNDROME; Familial aplasia of the vermis. Identifiers: Orphanet 475, MedGen C5979921, MONDO:0018772.

gnomAD v4.1: 5 of 1,613,978 alleles (0.00031%); highest among the groups gnomAD compares: African/African-American, 0.0053%; no homozygotes.

Submission:

Labcorp Genetics (formerly Invitae), Labcorp
Classification: Uncertain significance for Joubert syndrome. Last evaluated: 2022-10-24. Review status: criteria provided, single submitter. Criteria: Invitae Variant Classification Sherloc (09022015). Collection method: clinical testing. Allele origin: germline.
Comment: This sequence change replaces isoleucine, which is neutral and non-polar, with leucine, which is neutral and non-polar, at codon 130 of the AHI1 protein (p.Ile130Leu). This variant is not present in population databases (gnomAD no frequency). This variant has not been reported in the literature in individuals affected with AHI1-related conditions. ClinVar contains an entry for this variant (Variation ID: 1350439). Advanced modeling of protein sequence and biophysical properties (such as structural, functional, and spatial information, amino acid conservation, physicochemical variation, residue mobility, and thermodynamic stability) performed at Invitae indicates that this missense variant is not expected to disrupt AHI1 protein function. In summary, the available evidence is currently insufficient to determine the role of this variant in disease. Therefore, it has been classified as a Variant of Uncertain Significance.